The following is an entry in ClinVar:

ClinVar aggregate classification (germline): Uncertain significance (1 of 4 stars; one submission).

Conditions:
RASopathy. Also called: Noonan spectrum disorder; rasopathies. Identifiers: Orphanet 536391, MedGen C5555857, MONDO:0021060.

Submission:

Labcorp Genetics (formerly Invitae), Labcorp
Classification: Uncertain significance for RASopathy. Last evaluated: 2022-03-10. Review status: criteria provided, single submitter. Criteria: Invitae Variant Classification Sherloc (09022015). Collection method: clinical testing. Allele origin: germline.
Comment: This sequence change replaces histidine, which is basic and polar, with tyrosine, which is neutral and polar, at codon 284 of the RAF1 protein (p.His284Tyr). This variant is not present in population databases (gnomAD no frequency). This variant has not been reported in the literature in individuals affected with RAF1-related conditions. Advanced modeling of protein sequence and biophysical properties (such as structural, functional, and spatial information, amino acid conservation, physicochemical variation, residue mobility, and thermodynamic stability) performed at Invitae indicates that this missense variant is not expected to disrupt RAF1 protein function. In summary, the available evidence is currently insufficient to determine the role of this variant in disease. Therefore, it has been classified as a Variant of Uncertain Significance.

NM_002880.4(RAF1):c.850C>T (p.His284Tyr)

Gene: RAF1 (Raf-1 proto-oncogene, serine/threonine kinase; minus strand). Cytogenetic location: 3p25.2.
Variant type: single nucleotide variant.
Coding change: c.850C>T on transcript NM_002880.4 (MANE Select); coding-DNA position 850, C replaced by T.
Protein change: p.His284Tyr; replaces histidine 284 with tyrosine.
Molecular consequence: missense variant. On other transcripts: non-coding transcript variant (3).
Genome position (GRCh38, 1-based): chr3:12,600,400, G>A on the plus strand (C>T on the coding strand, the complement: RAF1 is on the minus strand). VCF-style: chr3-12600400-G-A. GRCh37 (hg19) VCF-style: chr3-12641899-G-A.
Other names: c.910C>T, p.His304Tyr (NM_001354689.3); c.850C>T, p.His284Tyr (NM_001354690.3); c.607C>T, p.His203Tyr (NM_001354691.3, NM_001354692.3); c.751C>T, p.His251Tyr (NM_001354693.3); c.667C>T, p.His223Tyr (NM_001354694.3); c.508C>T, p.His170Tyr (NM_001354695.3); short protein forms H284Y, H304Y, H203Y, H251Y, H223Y, H170Y.
Identifiers: ClinVar variation 2108455 (VCV002108455.4), dbSNP rs2470306974, ClinGen allele CA351510061.